The following is an entry in ClinVar:

ClinVar aggregate classification (germline): Likely benign (0 of 4 stars; one submission).

Conditions:
INTS8-related disorder. Also called: INTS8-related condition.

Allele frequency attached by ClinVar (database versions not stated): gnomAD exomes 0.00011; ExAC 0.00037; 1000 Genomes Project 0.00060; 1000 Genomes Project 30x 0.00062; gnomAD 0.00141; TOPMed 0.00158; ESP Exome Variant Server 0.00208.
gnomAD v4.1: 387 of 1,605,748 alleles (0.024%); highest among the groups gnomAD compares: African/African-American, 0.47%; 1 homozygote.

Submission:

PreventionGenetics, part of Exact Sciences
Classification: Likely benign for INTS8-related condition. Last evaluated: 2022-07-06. Review status: no assertion criteria provided. Collection method: clinical testing. Allele origin: germline.
Comment: This variant is classified as likely benign based on ACMG/AMP sequence variant interpretation guidelines (Richards et al. 2015 PMID: 25741868, with internal and published modifications).

NM_017864.4(INTS8):c.2446A>G (p.Ile816Val)

Gene: INTS8 (integrator complex subunit 8; plus strand). Cytogenetic location: 8q22.1.
Variant type: single nucleotide variant.
Coding change: c.2446A>G on transcript NM_017864.4 (MANE Select); coding-DNA position 2446, A replaced by G.
Protein change: p.Ile816Val; replaces isoleucine 816 with valine.
Molecular consequence: missense variant. On other transcripts: non-coding transcript variant (2).
Genome position (GRCh38, 1-based): chr8:94,871,915, A>G. VCF-style: chr8-94871915-A-G. GRCh37 (hg19) VCF-style: chr8-95884143-A-G.
Other names: short protein forms I816V.
Identifiers: ClinVar variation 3050914 (VCV003050914.2), dbSNP rs144329224, ClinGen allele CA4813892.